The following is an entry in ClinVar:

ClinVar aggregate classification (germline): Uncertain significance. Review status: criteria provided, multiple submitters, no conflicts (2 of 4 stars). 2 submissions from 2 submitters: Uncertain significance (2). Last evaluated 2026-02-02.

Conditions:
Hereditary cancer-predisposing syndrome. Also called: Neoplastic Syndromes, Hereditary; Tumor predisposition; Hereditary Cancer Syndrome; Hereditary neoplastic syndrome. Identifiers: Orphanet 140162, MedGen C0027672, MeSH D009386, MONDO:0015356.

Submissions (2):

Ambry Genetics
Classification: Uncertain significance for Hereditary cancer-predisposing syndrome. Last evaluated: 2026-02-02. Review status: criteria provided, single submitter. Criteria: Ambry Variant Classification Scheme 2023. Collection method: clinical testing. Allele origin: germline.
Comment: The p.I1999M variant (also known as c.5997T>G), located in coding exon 43 of the POLE gene, results from a T to G substitution at nucleotide position 5997. The isoleucine at codon 1999 is replaced by methionine, an amino acid with highly similar properties. This amino acid position is highly conserved in available vertebrate species. In addition, the in silico prediction for this alteration is inconclusive. Based on the available evidence, the clinical significance of this variant remains unclear.

GeneDx
Classification: Uncertain significance. Last evaluated: 2022-08-23. Review status: criteria provided, single submitter. Criteria: GeneDx Variant Classification Process June 2021. Collection method: clinical testing. Allele origin: germline. Affected: yes.
Comment: Not observed at significant frequency in large population cohorts (gnomAD); In silico analysis supports that this missense variant does not alter protein structure/function; Has not been previously published as pathogenic or benign to our knowledge

NM_006231.4(POLE):c.5997T>G (p.Ile1999Met)

Gene: POLE (DNA polymerase epsilon, catalytic subunit; minus strand). Cytogenetic location: 12q24.33.
Variant type: single nucleotide variant.
Coding change: c.5997T>G on transcript NM_006231.4 (MANE Select); coding-DNA position 5997, T replaced by G.
Protein change: p.Ile1999Met; replaces isoleucine 1999 with methionine.
Molecular consequence: missense variant.
Genome position (GRCh38, 1-based): chr12:132,634,193, A>C on the plus strand (T>G on the coding strand, the complement: POLE is on the minus strand). VCF-style: chr12-132634193-A-C. GRCh37 (hg19) VCF-style: chr12-133210779-A-C.
Other names: short protein forms I1999M.
Identifiers: ClinVar variation 2430663 (VCV002430663.2), dbSNP rs2541859543, ClinGen allele CA387371410.